The following is an entry in ClinVar:

NM_007289.4(MME):c.38T>C (p.Ile13Thr)

Gene: MME (membrane metalloendopeptidase; plus strand). Cytogenetic location: 3q25.2.
Variant type: single nucleotide variant.
Coding change: c.38T>C on transcript NM_007289.4 (MANE Select); coding-DNA position 38, T replaced by C.
Protein change: p.Ile13Thr; replaces isoleucine 13 with threonine.
Molecular consequence: missense variant.
Genome position (GRCh38, 1-based): chr3:155,084,205, T>C. VCF-style: chr3-155084205-T-C. GRCh37 (hg19) VCF-style: chr3-154801994-T-C.
Other names: c.38T>C, p.Ile13Thr (NM_000902.5, NM_001354642.2, NM_001354643.1 and 3 more transcripts); c.38T>C (NM_007289.2); short protein forms I13T.
Identifiers: ClinVar variation 1518650 (VCV001518650.5), dbSNP rs751490017, ClinGen allele CA2674992.

ClinVar aggregate classification (germline): Uncertain significance. Review status: criteria provided, multiple submitters, no conflicts (2 of 4 stars). 3 submissions from 3 submitters: Uncertain significance (3). Last evaluated 2025-04-07.

Conditions:
Inborn genetic diseases. Identifiers: MedGen C0950123, MeSH D030342.

Allele frequency attached by ClinVar (database versions not stated): gnomAD 0.00001; ExAC 0.00002; gnomAD exomes 0.00002; TOPMed 0.00002.
gnomAD v4.1: 37 of 1,614,032 alleles (0.0023%); highest among the groups gnomAD compares: Admixed American, 0.0033%; no homozygotes.

Submissions (3):

Ambry Genetics
Classification: Uncertain significance for Inborn genetic diseases. Last evaluated: 2025-04-07. Review status: criteria provided, single submitter. Criteria: Ambry Variant Classification Scheme 2023. Collection method: clinical testing. Allele origin: germline.

GeneDx
Classification: Uncertain significance. Last evaluated: 2025-01-30. Review status: criteria provided, single submitter. Criteria: GeneDx Variant Classification Process June 2021. Collection method: clinical testing. Allele origin: germline. Affected: yes.
Comment: In silico analysis supports that this missense variant has a deleterious effect on protein structure/function; Has not been previously published as pathogenic or benign to our knowledge

Labcorp Genetics (formerly Invitae), Labcorp
Classification: Uncertain significance. Last evaluated: 2022-02-19. Review status: criteria provided, single submitter. Criteria: Invitae Variant Classification Sherloc (09022015). Collection method: clinical testing. Allele origin: germline.
Comment: This sequence change replaces isoleucine, which is neutral and non-polar, with threonine, which is neutral and polar, at codon 13 of the MME protein (p.Ile13Thr). This variant is present in population databases (rs751490017, gnomAD 0.007%). This variant has not been reported in the literature in individuals affected with MME-related conditions. Algorithms developed to predict the effect of missense changes on protein structure and function are either unavailable or do not agree on the potential impact of this missense change (SIFT: "Deleterious"; PolyPhen-2: "Benign"; Align-GVGD: "Class C0"). In summary, the available evidence is currently insufficient to determine the role of this variant in disease. Therefore, it has been classified as a Variant of Uncertain Significance.